The following is an entry in ClinVar:

NM_002979.5(SCP2):c.915C>T (p.His305=)

Gene: SCP2 (sterol carrier protein 2; plus strand). Cytogenetic location: 1p32.3.
Variant type: single nucleotide variant.
Coding change: c.915C>T on transcript NM_002979.5 (MANE Select); coding-DNA position 915, C replaced by T.
Protein change: p.His305=; no amino-acid change (histidine 305 retained).
Molecular consequence: synonymous variant.
Genome position (GRCh38, 1-based): chr1:52,980,485, C>T. VCF-style: chr1-52980485-C-T. GRCh37 (hg19) VCF-style: chr1-53446157-C-T.
Other names: c.783C>T, p.His261= (NM_001007098.3, NM_001193600.2); c.843C>T, p.His281= (NM_001193599.2); c.672C>T, p.His224= (NM_001193617.2); c.915C>T, p.His305= (NM_001330587.2); c.915C>T (NM_002979.4).
Identifiers: ClinVar variation 1935002 (VCV001935002.7), dbSNP rs770730370, ClinGen allele CA857253.
Genomic context (GRCh38, chr1:52,980,485, plus strand): 5'-AAGAAAATGCTATGAGAAATCTGGCCTGACACCAAATGATATTGACGTAATAGAACTTCA[C>T]GATTGCTTTTCTACCAACGAACTCCTTACTTATGAAGCACTGGGACTCTGTCCAGAAGGT-3'
Protein context (NP_002970.2, residues 295-315): TPNDIDVIEL[His305=]DCFSTNELLT

ClinVar aggregate classification (germline): Likely benign. Review status: criteria provided, single submitter (1 of 4 stars). 2 submissions from 2 submitters: Likely benign (1). 1 of the submissions does not count toward it. Last evaluated 2025-06-23.

Conditions:
SCP2-related disorder. Also called: SCP2-related condition.

Allele frequency attached by ClinVar (database versions not stated): ExAC 0.00001; gnomAD 0.00001; gnomAD exomes 0.00001; TOPMed 0.00002.
gnomAD v4.1: 20 of 1,613,734 alleles (0.0012%); highest among the groups gnomAD compares: South Asian, 0.0044%; no homozygotes.

Submissions (2):

Labcorp Genetics (formerly Invitae), Labcorp
Classification: Likely benign. Last evaluated: 2025-06-23. Review status: criteria provided, single submitter. Criteria: Invitae Variant Classification Sherloc (09022015). Collection method: clinical testing. Allele origin: germline.

PreventionGenetics, part of Exact Sciences
Classification: Likely benign for SCP2-related condition. Last evaluated: 2024-02-07. Review status: no assertion criteria provided. Collection method: clinical testing. Allele origin: germline. Not counted in ClinVar's aggregate classification.
Comment: This variant is classified as likely benign based on ACMG/AMP sequence variant interpretation guidelines (Richards et al. 2015 PMID: 25741868, with internal and published modifications).